The following is an entry in ClinVar:

ClinVar aggregate classification (germline): Likely pathogenic (1 of 4 stars; one submission).

Conditions:
Alport syndrome. Also called: Hemorrhagic familial nephritis; Hemorrhagic hereditary nephritis; Congenital hereditary hematuria. Identifiers: Orphanet 63, MedGen C1567741, MONDO:0018965.

Submission:

Natera, Inc.
Classification: Likely pathogenic for Alport syndrome. Last evaluated: 2026-01-26. Review status: criteria provided, single submitter. Criteria: Natera Variant Classification Schema (03/2026). Collection method: clinical testing. Allele origin: germline.
Comment: The c.2609G>A variant in COL4A4 is a missense variant predicted to cause substitution of glycine to aspartic acid at amino acid 870. This variant is rare in the general population with a frequency below the threshold expected for the associated phenotype(s). This variant is located in a functionally critical region of the protein. A different variant at the same position has been determined to be Pathogenic or Likely Pathogenic. Computational prediction algorithms indicate this variant is likely to affect gene or protein function. Given the available evidence, this variant is classified as Likely Pathogenic.

NM_000092.5(COL4A4):c.2609G>A (p.Gly870Asp)

Gene: COL4A4 (collagen type IV alpha 4 chain; minus strand). Cytogenetic location: 2q36.3.
Variant type: single nucleotide variant.
Coding change: c.2609G>A on transcript NM_000092.5 (MANE Select); coding-DNA position 2609, G replaced by A.
Protein change: p.Gly870Asp; replaces glycine 870 with aspartic acid.
Molecular consequence: missense variant.
Genome position (GRCh38, 1-based): chr2:227,056,052, C>T on the plus strand (G>A on the coding strand, the complement: COL4A4 is on the minus strand). VCF-style: chr2-227056052-C-T. GRCh37 (hg19) VCF-style: chr2-227920768-C-T.
Other names: short protein forms G870D.
Identifiers: ClinVar variation 4817312 (VCV004817312.1).